The following is an entry in ClinVar:

NM_032635.4(TMEM147):c.429+2T>C

Gene: TMEM147 (transmembrane protein 147; plus strand). Cytogenetic location: 19q13.12.
Variant type: single nucleotide variant.
Coding change: c.429+2T>C on transcript NM_032635.4 (MANE Select); the canonical splice donor site of the intron after coding-DNA position 429, T replaced by C.
Molecular consequence: splice donor variant. On other transcripts: intron variant (1).
Genome position (GRCh38, 1-based): chr19:35,547,031, T>C. VCF-style: chr19-35547031-T-C. GRCh37 (hg19) VCF-style: chr19-36037933-T-C.
Other names: c.282+2T>C (NM_001242597.2); c.208-88T>C (NM_001242598.2).
Identifiers: ClinVar variation 3602549 (VCV003602549.2).
Genomic context (GRCh38, chr19:35,547,031, plus strand): 5'-GGGGCATTGAGTTTGACTGGAAGTACATCCAGATGAGCATAGACTCCAACATCAGTCTGG[T>C]AGGCAGTCGTGCTCTCCCACATACACATTTCTGCTGGCGGCCATACTCCTCCCCAAGGCC-3'

ClinVar aggregate classification (germline): Pathogenic (1 of 4 stars; one submission).

gnomAD v4.1: 2 of 1,614,094 alleles (0.00012%); highest among the groups gnomAD compares: Admixed American, 0.0017%; no homozygotes.

Submission:

GeneDx
Classification: Pathogenic. Last evaluated: 2026-02-06. Review status: criteria provided, single submitter. Criteria: GeneDx Variant Classification Process June 2021. Collection method: clinical testing. Allele origin: germline. Affected: yes.
Comment: Canonical splice site variant predicted to result in a null allele in a gene for which loss of function is a known mechanism of disease; Not observed at significant frequency in large population cohorts (gnomAD); Has not been previously published as pathogenic or benign to our knowledge